The following is an entry in ClinVar:

NM_022041.4(GAN):c.1101C>T (p.Phe367=)

Gene: GAN (gigaxonin; plus strand). Cytogenetic location: 16q23.2.
Variant type: single nucleotide variant.
Coding change: c.1101C>T on transcript NM_022041.4 (MANE Select); coding-DNA position 1101, C replaced by T.
Protein change: p.Phe367=; no amino-acid change (phenylalanine 367 retained).
Molecular consequence: synonymous variant.
Genome position (GRCh38, 1-based): chr16:81,363,808, C>T. VCF-style: chr16-81363808-C-T. GRCh37 (hg19) VCF-style: chr16-81397413-C-T.
Other names: c.462C>T, p.Phe154= (NM_001377486.1).
Identifiers: ClinVar variation 706095 (VCV000706095.12), dbSNP rs142479585, ClinGen allele CA8191626.

ClinVar aggregate classification (germline): Likely benign. Review status: criteria provided, multiple submitters, no conflicts (2 of 4 stars). 2 submissions from 2 submitters: Likely benign (2). Last evaluated 2026-05-01.

Conditions:
Giant axonal neuropathy 1 (GAN1). Also called: GIANT AXONAL NEUROPATHY 1, AUTOSOMAL RECESSIVE; GAN-Related Neurodegeneration. Identifiers: Orphanet 643, MedGen C1850386, MONDO:0009749, OMIM 256850.

Allele frequency attached by ClinVar (database versions not stated): gnomAD 0.00007; ESP Exome Variant Server 0.00008; TOPMed 0.00019; ExAC 0.00022; gnomAD exomes 0.00028.
gnomAD v4.1: 120 of 1,613,550 alleles (0.0074%); highest among the groups gnomAD compares: Admixed American, 0.13%; no homozygotes.

Submissions (2):

CeGaT Center for Human Genetics Tuebingen
Classification: Likely benign. Last evaluated: 2026-05-01. Review status: criteria provided, single submitter. Criteria: CeGaT Center For Human Genetics Tuebingen Variant Classification Criteria Version 2. Collection method: clinical testing. Allele origin: germline. Affected: yes. Observed: 1 variant allele.
Comment: GAN: BP4, BP7

Labcorp Genetics (formerly Invitae), Labcorp
Classification: Likely benign for Giant axonal neuropathy 1. Last evaluated: 2025-09-05. Review status: criteria provided, single submitter. Criteria: Invitae Variant Classification Sherloc (09022015). Collection method: clinical testing. Allele origin: germline.